The following is an entry in ClinVar:

ClinVar aggregate classification (germline): Conflicting classifications of pathogenicity. Review status: criteria provided, conflicting classifications (1 of 4 stars). 2 submissions from 2 submitters: Uncertain significance (1); Benign (1). Last evaluated 2025-01-20.

Conditions:
DNAH11-related disorder. Also called: DNAH11-related condition.
Primary ciliary dyskinesia. Also called: Ciliary dyskinesia. Identifiers: Orphanet 244, MedGen C0008780, MONDO:0016575, HP:0012265.

Allele frequency attached by ClinVar (database versions not stated): gnomAD exomes 0.00001; gnomAD 0.00002; TOPMed 0.00002; ExAC 0.00007.
gnomAD v4.1: 16 of 1,612,752 alleles (0.00099%); highest among the groups gnomAD compares: East Asian, 0.036%; no homozygotes.

Submissions (2):

Labcorp Genetics (formerly Invitae), Labcorp
Classification: Benign for Primary ciliary dyskinesia. Last evaluated: 2025-01-20. Review status: criteria provided, single submitter. Criteria: Invitae Variant Classification Sherloc (09022015). Collection method: clinical testing. Allele origin: germline.

PreventionGenetics, part of Exact Sciences
Classification: Uncertain significance for DNAH11-related condition. Last evaluated: 2022-12-19. Review status: criteria provided, single submitter. Criteria: ACMG Guidelines, 2015. Collection method: clinical testing. Allele origin: germline.
Comment: The DNAH11 c.7891T>A variant is predicted to result in the amino acid substitution p.Phe2631Ile. This variant has been reported in the compound heterozygous state in an individual with suspected primary ciliary dyskinesia (Li et al. 2022. PubMed ID: 35804324). This variant is reported in 0.089% of alleles in individuals of East Asian descent in gnomAD. At this time, the clinical significance of this variant is uncertain due to the absence of conclusive functional and genetic evidence.

NM_001277115.2(DNAH11):c.7891T>A (p.Phe2631Ile)

Gene: DNAH11 (dynein axonemal heavy chain 11; plus strand). Cytogenetic location: 7p15.3.
Variant type: single nucleotide variant.
Coding change: c.7891T>A on transcript NM_001277115.2 (MANE Select); coding-DNA position 7891, T replaced by A.
Protein change: p.Phe2631Ile; replaces phenylalanine 2631 with isoleucine.
Molecular consequence: missense variant.
Genome position (GRCh38, 1-based): chr7:21,739,650, T>A. VCF-style: chr7-21739650-T-A. GRCh37 (hg19) VCF-style: chr7-21779268-T-A.
Other names: c.7912T>A, p.Phe2638Ile (NM_003777.3); short protein forms F2631I, F2638I.
Identifiers: ClinVar variation 2634780 (VCV002634780.4), dbSNP rs746587907, ClinGen allele CA4181390.